The following is an entry in ClinVar:

ClinVar aggregate classification (germline): Uncertain significance. Review status: criteria provided, multiple submitters, no conflicts (2 of 4 stars). 5 submissions from 5 submitters: Uncertain significance (5). Last evaluated 2025-10-31.

Conditions:
Hereditary cancer-predisposing syndrome. Also called: Hereditary Cancer Syndrome; Hereditary neoplastic syndrome; Neoplastic Syndromes, Hereditary; Tumor predisposition. Identifiers: Orphanet 140162, MedGen C0027672, MeSH D009386, MONDO:0015356.
Ataxia-telangiectasia syndrome (AT). Also called: Ataxia-telangiectasia, complementation group E; LOUIS-BAR SYNDROME; Cerebello-oculocutaneous telangiectasia; Immunodeficiency with ataxia telangiectasia; Ataxia-telangiectasia, complementation group D; AT, COMPLEMENTATION GROUP C. Identifiers: Orphanet 100, MedGen C0004135, MONDO:0008840, OMIM 208900.

Submissions (5):

Labcorp Genetics (formerly Invitae), Labcorp
Classification: Uncertain significance for Ataxia-telangiectasia syndrome. Last evaluated: 2025-10-31. Review status: criteria provided, single submitter. Criteria: Invitae Variant Classification Sherloc (09022015). Collection method: clinical testing. Allele origin: germline.
Comment: This sequence change replaces asparagine, which is neutral and polar, with serine, which is neutral and polar, at codon 314 of the ATM protein (p.Asn314Ser). This variant is not present in population databases (gnomAD no frequency). This variant has not been reported in the literature in individuals affected with ATM-related conditions. ClinVar contains an entry for this variant (Variation ID: 302244). Invitae Evidence Modeling of protein sequence and biophysical properties (such as structural, functional, and spatial information, amino acid conservation, physicochemical variation, residue mobility, and thermodynamic stability) indicates that this missense variant is not expected to disrupt ATM protein function with a negative predictive value of 95%. In summary, the available evidence is currently insufficient to determine the role of this variant in disease. Therefore, it has been classified as a Variant of Uncertain Significance.

Ambry Genetics
Classification: Uncertain significance for Hereditary cancer-predisposing syndrome. Last evaluated: 2025-06-27. Review status: criteria provided, single submitter. Criteria: Ambry Variant Classification Scheme 2023. Collection method: clinical testing. Allele origin: germline.
Comment: The p.N314S variant (also known as c.941A>G), located in coding exon 7 of the ATM gene, results from an A to G substitution at nucleotide position 941. The asparagine at codon 314 is replaced by serine, an amino acid with highly similar properties. This amino acid position is conserved. In addition, this alteration is predicted to be tolerated by in silico analysis. Since supporting evidence is limited at this time, the clinical significance of this alteration remains unclear.

GeneDx
Classification: Uncertain significance. Last evaluated: 2019-11-06. Review status: criteria provided, single submitter. Criteria: GeneDx Variant Classification Process June 2021. Collection method: clinical testing. Allele origin: germline. Affected: yes.
Comment: Not observed in large population cohorts (Lek 2016); In silico analysis, which includes protein predictors and evolutionary conservation, supports that this variant does not alter protein structure/function; Has not been previously published as pathogenic or benign to our knowledge; This variant is associated with the following publications: (PMID: 26354930)

Color Diagnostics, LLC DBA Color Health
Classification: Uncertain significance for Hereditary cancer-predisposing syndrome. Last evaluated: 2019-02-02. Review status: criteria provided, single submitter. Criteria: ACMG Guidelines, 2015. Collection method: clinical testing. Allele origin: germline.

Illumina Laboratory Services, Illumina
Classification: Uncertain significance for Ataxia-telangiectasia syndrome. Last evaluated: 2018-01-12. Review status: criteria provided, single submitter. Criteria: ICSL Variant Classification Criteria 13 December 2019. Collection method: clinical testing. Allele origin: germline.

NM_000051.4(ATM):c.941A>G (p.Asn314Ser)

Gene: ATM (ATM serine/threonine kinase; plus strand). Cytogenetic location: 11q22.3.
Variant type: single nucleotide variant.
Coding change: c.941A>G on transcript NM_000051.4 (MANE Select); coding-DNA position 941, A replaced by G.
Protein change: p.Asn314Ser; replaces asparagine 314 with serine.
Molecular consequence: missense variant.
Genome position (GRCh38, 1-based): chr11:108,247,003, A>G. VCF-style: chr11-108247003-A-G. GRCh37 (hg19) VCF-style: chr11-108117730-A-G.
Other names: c.941A>G, p.Asn314Ser (NM_001351834.2); short protein forms N314S.
Identifiers: ClinVar variation 302244 (VCV000302244.18), dbSNP rs886047610, ClinGen allele CA10633306.